The following is an entry in ClinVar:

ClinVar aggregate classification (germline): Uncertain significance (1 of 4 stars; one submission).

Submission:

Women's Health and Genetics/Laboratory Corporation of America, LabCorp
Classification: Uncertain significance. Last evaluated: 2025-04-28. Review status: criteria provided, single submitter. Criteria: LabCorp Variant Classification Summary - May 2015. Collection method: clinical testing. Allele origin: germline.
Comment: Variant summary: CHD7 c.5972A>C (p.Gln1991Pro) results in a non-conservative amino acid change in the encoded protein sequence. Three of five in-silico tools predict a damaging effect of the variant on protein function. The variant was absent in 249090 control chromosomes (gnomAD). The available data on variant occurrences in the general population are insufficient to allow any conclusion about variant significance. To our knowledge, no occurrence of c.5972A>C in individuals affected with Hypogonadotropic Hypogonadism 5 With Or Without Anosmia and no experimental evidence demonstrating its impact on protein function have been reported. No submitters have cited clinical-significance assessments for this variant to ClinVar. Based on the evidence outlined above, the variant was classified as uncertain significance.

NM_017780.4(CHD7):c.5972A>C (p.Gln1991Pro)

Gene: CHD7 (chromodomain helicase DNA binding protein 7; plus strand). Cytogenetic location: 8q12.2.
Variant type: single nucleotide variant.
Coding change: c.5972A>C on transcript NM_017780.4 (MANE Select); coding-DNA position 5972, A replaced by C.
Protein change: p.Gln1991Pro; replaces glutamine 1991 with proline.
Molecular consequence: missense variant. On other transcripts: intron variant (1).
Genome position (GRCh38, 1-based): chr8:60,852,575, A>C. VCF-style: chr8-60852575-A-C. GRCh37 (hg19) VCF-style: chr8-61765134-A-C.
Other names: c.1717-9654A>C (NM_001316690.1); short protein forms Q1991P.
Identifiers: ClinVar variation 3896584 (VCV003896584.2).
Genomic context (GRCh38, chr8:60,852,575, plus strand): 5'-AGGCTGATTTTTACCGTGTGGTATCCACCTTTGGGGTTATTTTTGACCCTGTGAAACAGC[A>C]ATTTGACTGGAACCAATTTAGAGCCTTTGCCAGGCTTGACAAAAAATCTGATGAGAGTTT-3'
Protein context (NP_060250.2, residues 1981-2001): FGVIFDPVKQ[Gln1991Pro]FDWNQFRAFA